The following is an entry in ClinVar:

NM_005502.4(ABCA1):c.497A>G (p.Lys166Arg)

Gene: ABCA1 (ATP binding cassette subfamily A member 1; minus strand). Cytogenetic location: 9q31.1.
Variant type: single nucleotide variant.
Coding change: c.497A>G on transcript NM_005502.4 (MANE Select); coding-DNA position 497, A replaced by G.
Protein change: p.Lys166Arg; replaces lysine 166 with arginine.
Molecular consequence: missense variant.
Genome position (GRCh38, 1-based): chr9:104,861,725, T>C on the plus strand (A>G on the coding strand, the complement: ABCA1 is on the minus strand). VCF-style: chr9-104861725-T-C. GRCh37 (hg19) VCF-style: chr9-107624006-T-C.
Other names: short protein forms K166R.
Identifiers: ClinVar variation 364459 (VCV000364459.6), dbSNP rs377248142, ClinGen allele CA5169375.

ClinVar aggregate classification (germline): Conflicting classifications of pathogenicity. Review status: criteria provided, conflicting classifications (1 of 4 stars). 3 submissions from 2 submitters: Uncertain significance (2); Likely benign (1). Last evaluated 2025-06-10.

Conditions:
Tangier disease (TGD). Also called: HIGH DENSITY LIPOPROTEIN DEFICIENCY, TANGIER TYPE; HIGH DENSITY LIPOPROTEIN DEFICIENCY, TYPE 1; Cholesterol thesaurismosis. Identifiers: Orphanet 31150, MedGen C0039292, MONDO:0008783, OMIM 205400.
Hypoalphalipoproteinemia, primary, 1. Identifiers: Orphanet 425, MedGen C5231558, MONDO:0011393, OMIM 604091.

Allele frequency attached by ClinVar (database versions not stated): gnomAD 0.00001 and 0.00002; gnomAD exomes 0.00001 and 0.00004; ExAC 0.00002; TOPMed 0.00002; ESP Exome Variant Server 0.00008.
gnomAD v4.1: 29 of 1,613,896 alleles (0.0018%); highest among the groups gnomAD compares: Non-Finnish European, 0.0021%; no homozygotes.

Submissions (3):

Labcorp Genetics (formerly Invitae), Labcorp
Classification: Uncertain significance. Last evaluated: 2025-06-10. Review status: criteria provided, single submitter. Criteria: Invitae Variant Classification Sherloc (09022015). Collection method: clinical testing. Allele origin: germline.
Comment: This sequence change replaces lysine, which is basic and polar, with arginine, which is basic and polar, at codon 166 of the ABCA1 protein (p.Lys166Arg). This variant is present in population databases (rs377248142, gnomAD 0.003%). This variant has not been reported in the literature in individuals affected with ABCA1-related conditions. ClinVar contains an entry for this variant (Variation ID: 364459). Invitae Evidence Modeling of protein sequence and biophysical properties (such as structural, functional, and spatial information, amino acid conservation, physicochemical variation, residue mobility, and thermodynamic stability) indicates that this missense variant is not expected to disrupt ABCA1 protein function with a negative predictive value of 95%. In summary, the available evidence is currently insufficient to determine the role of this variant in disease. Therefore, it has been classified as a Variant of Uncertain Significance.

Illumina Laboratory Services, Illumina
Classification: Likely benign for Hypoalphalipoproteinemia, primary, 1. Last evaluated: 2018-01-13. Review status: criteria provided, single submitter. Criteria: ICSL Variant Classification Criteria 13 December 2019. Collection method: clinical testing. Allele origin: germline.
Comment: This variant was observed in the ICSL laboratory as part of a predisposition screen in an ostensibly healthy population. It had not been previously curated by ICSL or reported in the Human Gene Mutation Database (HGMD: prior to June 1st, 2018), and was therefore a candidate for classification through an automated scoring system. Utilizing variant allele frequency, disease prevalence and penetrance estimates, and inheritance mode, an automated score was calculated to assess if this variant is too frequent to cause the disease. Based on the score and internal cut-off values, a variant classified as likely benign is not then subjected to further curation. The score for this variant resulted in a classification of likely benign for this disease.

Illumina Laboratory Services, Illumina
Classification: Uncertain significance for Tangier disease. Last evaluated: 2018-01-13. Review status: criteria provided, single submitter. Criteria: ICSL Variant Classification Criteria 13 December 2019. Collection method: clinical testing. Allele origin: germline.